The following is an entry in ClinVar:

ClinVar aggregate classification (germline): Conflicting classifications of pathogenicity. Review status: criteria provided, conflicting classifications (1 of 4 stars). 5 submissions from 5 submitters: Uncertain significance (4); Likely benign (1). Last evaluated 2025-12-13.

Conditions:
Colorectal cancer, susceptibility to, 12 (CRCS12). Also called: COLORECTAL CANCER, SUSCEPTIBILITY TO, ON CHROMOSOME 12q24. Identifiers: Orphanet 220460, MedGen C3554460, MONDO:0014038, OMIM 615083.
Facial dysmorphism-immunodeficiency-livedo-short stature syndrome. Also called: Facial dysmorphism, immunodeficiency, livedo, and short stature; FILS syndrome. Identifiers: Orphanet 352712, MedGen C3554576, MONDO:0014058, OMIM 615139.
Hereditary cancer-predisposing syndrome. Also called: Hereditary neoplastic syndrome; Neoplastic Syndromes, Hereditary; Tumor predisposition; Hereditary Cancer Syndrome. Identifiers: Orphanet 140162, MedGen C0027672, MeSH D009386, MONDO:0015356.

Allele frequency attached by ClinVar (database versions not stated): gnomAD exomes below 0.00001; TOPMed below 0.00001; ExAC 0.00001.
gnomAD v4.1: 4 of 1,614,122 alleles (0.00025%); highest among the groups gnomAD compares: South Asian, 0.0011%; no homozygotes.

Submissions (5):

Labcorp Genetics (formerly Invitae), Labcorp
Classification: Uncertain significance. Last evaluated: 2025-12-13. Review status: criteria provided, single submitter. Criteria: Invitae Variant Classification Sherloc (09022015). Collection method: clinical testing. Allele origin: germline.
Comment: This sequence change replaces valine, which is neutral and non-polar, with isoleucine, which is neutral and non-polar, at codon 1218 of the POLE protein (p.Val1218Ile). This variant is present in population databases (rs756246229, gnomAD 0.003%). This variant has not been reported in the literature in individuals affected with POLE-related conditions. ClinVar contains an entry for this variant (Variation ID: 484447). Invitae Evidence Modeling of protein sequence and biophysical properties (such as structural, functional, and spatial information, amino acid conservation, physicochemical variation, residue mobility, and thermodynamic stability) indicates that this missense variant is not expected to disrupt POLE protein function with a negative predictive value of 80%. In summary, the available evidence is currently insufficient to determine the role of this variant in disease. Therefore, it has been classified as a Variant of Uncertain Significance.

Ambry Genetics
Classification: Likely benign for Hereditary cancer-predisposing syndrome. Last evaluated: 2025-05-02. Review status: criteria provided, single submitter. Criteria: Ambry Variant Classification Scheme 2023. Collection method: clinical testing. Allele origin: germline.

Blueprint Genetics
Classification: Uncertain significance. Last evaluated: 2021-06-17. Review status: criteria provided, single submitter. Criteria: ACMG Guidelines, 2015. Collection method: clinical testing. Allele origin: germline.

Fulgent Genetics
Classification: Uncertain significance for Colorectal cancer, susceptibility to, 12; Facial dysmorphism-immunodeficiency-livedo-short stature syndrome. Last evaluated: 2018-10-31. Review status: criteria provided, single submitter. Criteria: ACMG Guidelines, 2015. Collection method: clinical testing. Allele origin: unknown.

Quest Diagnostics Nichols Institute San Juan Capistrano
Classification: Uncertain significance. Last evaluated: 2017-11-15. Review status: criteria provided, single submitter. Criteria: Quest Diagnostics criteria. Collection method: clinical testing. Allele origin: germline.

NM_006231.4(POLE):c.3652G>A (p.Val1218Ile)

Gene: POLE (DNA polymerase epsilon, catalytic subunit; minus strand). Cytogenetic location: 12q24.33.
Variant type: single nucleotide variant.
Coding change: c.3652G>A on transcript NM_006231.4 (MANE Select); coding-DNA position 3652, G replaced by A.
Protein change: p.Val1218Ile; replaces valine 1218 with isoleucine.
Molecular consequence: missense variant.
Genome position (GRCh38, 1-based): chr12:132,649,820, C>T on the plus strand (G>A on the coding strand, the complement: POLE is on the minus strand). VCF-style: chr12-132649820-C-T. GRCh37 (hg19) VCF-style: chr12-133226406-C-T.
Other names: short protein forms V1218I.
Identifiers: ClinVar variation 484447 (VCV000484447.16), dbSNP rs756246229, ClinGen allele CA6893150.
Genomic context (GRCh38, chr12:132,649,820, plus strand): 5'-TCTCCCAAAGAACTCGCTTCCTCTTCACAGTGACAGGGGCTGCTGGGTGAGGCAGCTTTA[C>T]GAGGCCGAAGTCCTCCATGTCAGGAGCACTTGGCCTCGGACTGTCTTCTGAGGCCTCGGC-3'
Protein context (NP_006222.2, residues 1208-1228): SAPDMEDFGL[Val1218Ile]KLPHPAAPVT